The following is an entry in ClinVar:

ClinVar aggregate classification (germline): Uncertain significance (1 of 4 stars; one submission).

Allele frequency attached by ClinVar (database versions not stated): gnomAD exomes below 0.00001; gnomAD 0.00001; TOPMed 0.00002.

Submission:

Labcorp Genetics (formerly Invitae), Labcorp
Classification: Uncertain significance. Last evaluated: 2022-02-03. Review status: criteria provided, single submitter. Criteria: Invitae Variant Classification Sherloc (09022015). Collection method: clinical testing. Allele origin: germline.
Comment: In summary, the available evidence is currently insufficient to determine the role of this variant in disease. Therefore, it has been classified as a Variant of Uncertain Significance. This variant has not been reported in the literature in individuals affected with SLC39A7-related conditions. This variant is not present in population databases (gnomAD no frequency). This sequence change creates a premature translational stop signal (p.His239Argfs*68) in the SLC39A7 gene. It is expected to result in an absent or disrupted protein product. However, the current clinical and genetic evidence is not sufficient to establish whether loss-of-function variants in SLC39A7 cause disease.

NM_006979.3(SLC39A7):c.716_717del (p.His239fs)

Gene: SLC39A7 (solute carrier family 39 member 7; plus strand). Cytogenetic location: 6p21.32.
Variant type: Deletion.
Coding change: c.716_717del on transcript NM_006979.3 (MANE Select); coding-DNA positions 716 to 717, 2 bases deleted (AT; older notation c.716_717delAT).
Protein change: p.His239fs; shifts the reading frame from histidine 239.
Molecular consequence: frameshift variant.
Genome position (GRCh38, 1-based): chr6:33,202,344-33,202,345, AT deleted. VCF-style (leftmost placement, unchanged base first): chr6-33202343-CAT-C. GRCh37 (hg19) VCF-style: chr6-33170120-CAT-C.
Other names: c.716_717del, p.His239fs (NM_001077516.2); c.341_342del, p.His114fs (NM_001288777.2); short protein forms H239fs, H114fs.
Identifiers: ClinVar variation 2090509 (VCV002090509.2), dbSNP rs937682617, ClinGen allele CA137060329.
Genomic context (GRCh38, chr6:33,202,343, plus strand): 5'-GTGGGACTGTGGGTTCTCAGTGGAATTGTTGCCTTTCTTGTCGTGGAGAAATTTGTGAGA[CAT>C]GTGAAAGGAGGACATGGTCACAGTCATGGACATGGACACGCTCACAGTCATACACGTGGA-3'